The following is an entry in ClinVar:

ClinVar aggregate classification (germline): Likely benign (1 of 4 stars; one submission).

Submission:

Laboratory for Molecular Medicine, Mass General Brigham Personalized Medicine
Classification: Likely benign. Last evaluated: 2011-03-14. Review status: criteria provided, single submitter. Criteria: LMM Criteria. Collection method: clinical testing. Allele origin: germline. Observed: 1 variant allele.
Comment: Thr911Asn in exon 13 of USH2A: This variant has been reported in 1 individual wi th retinitis pigmentosa (Seyedahmadi 2004, McGee 2010). However, this variant is not expected to have clinical significance because the Thr911 residue is not we ll conserved, even in mammals, and the Thr911Asn variant was identified in an in dividual who has an alternate etiology for Usher syndrome.

Literature cited by the submitters: PubMed 15325563; PubMed 20507924.

NM_206933.4(USH2A):c.2732C>A (p.Thr911Asn)

Genes: USH2A (usherin; minus strand), LOC122152296 (Sharpr-MPRA regulatory region 8762; plus strand). Cytogenetic location: 1q41.
Variant type: single nucleotide variant.
Coding change: c.2732C>A on transcript NM_206933.4 (MANE Select); coding-DNA position 2732, C replaced by A.
Protein change: p.Thr911Asn; replaces threonine 911 with asparagine.
Molecular consequence: missense variant.
Genome position (GRCh38, 1-based): chr1:216,246,662, G>T on the plus strand (C>A on the coding strand, the complement: USH2A is on the minus strand). VCF-style: chr1-216246662-G-T. GRCh37 (hg19) VCF-style: chr1-216420004-G-T.
Other names: c.2732C>A, p.Thr911Asn (NM_007123.6); short protein forms T911N.
Identifiers: ClinVar variation 48490 (VCV000048490.5), dbSNP rs397518006, ClinGen allele CA143446.